The following is an entry in ClinVar:

NM_004958.4(MTOR):c.5588C>T (p.Ser1863Leu)

Gene: MTOR (mechanistic target of rapamycin kinase; minus strand). Cytogenetic location: 1p36.22.
Variant type: single nucleotide variant.
Coding change: c.5588C>T on transcript NM_004958.4 (MANE Select); coding-DNA position 5588, C replaced by T.
Protein change: p.Ser1863Leu; replaces serine 1863 with leucine.
Molecular consequence: missense variant.
Genome position (GRCh38, 1-based): chr1:11,130,554, G>A on the plus strand (C>T on the coding strand, the complement: MTOR is on the minus strand). VCF-style: chr1-11130554-G-A. GRCh37 (hg19) VCF-style: chr1-11190611-G-A.
Other names: c.5588C>T (LRG_734t1); short protein forms S1863L.
Identifiers: ClinVar variation 641395 (VCV000641395.10), dbSNP rs189436499, ClinGen allele CA589301.

ClinVar aggregate classification (germline): Conflicting classifications of pathogenicity. Review status: criteria provided, conflicting classifications (1 of 4 stars). 2 submissions from 2 submitters: Uncertain significance (1); Benign (1). Last evaluated 2025-07-27.

Allele frequency attached by ClinVar (database versions not stated): gnomAD 0.00001 and 0.00002; ExAC 0.00002; gnomAD exomes 0.00002; TOPMed 0.00004; 1000 Genomes Project 0.00020; 1000 Genomes Project 30x 0.00031.
gnomAD v4.1: 15 of 1,613,384 alleles (0.00093%); highest among the groups gnomAD compares: Admixed American, 0.0067%; no homozygotes.

Submissions (2):

Labcorp Genetics (formerly Invitae), Labcorp
Classification: Benign. Last evaluated: 2025-07-27. Review status: criteria provided, single submitter. Criteria: Invitae Variant Classification Sherloc (09022015). Collection method: clinical testing. Allele origin: germline.

Centre of Medical Genetics, University Hospital Muenster
Classification: Uncertain significance. Last evaluated: 2023-03-29. Review status: criteria provided, single submitter. Criteria: ACMG Guidelines, 2015. Collection method: clinical testing. Allele origin: unknown. Affected: yes. Observed: 1 variant allele, 1 heterozygote.
Comment: ACMG categories: PM1,PM2,PP3